The following is an entry in ClinVar:

ClinVar aggregate classification (germline): Uncertain significance (1 of 4 stars; one submission).

Conditions:
Carney complex, type 1 (CNC1). Also called: CARNEY COMPLEX, TYPE I; CARNEY MYXOMA-ENDOCRINE COMPLEX. Identifiers: Orphanet 1359, MedGen C2607929, MONDO:0008057, OMIM 160980.

Submission:

Labcorp Genetics (formerly Invitae), Labcorp
Classification: Uncertain significance for Carney complex, type 1. Last evaluated: 2023-12-28. Review status: criteria provided, single submitter. Criteria: Invitae Variant Classification Sherloc (09022015). Collection method: clinical testing. Allele origin: germline.
Comment: This sequence change replaces arginine, which is basic and polar, with threonine, which is neutral and polar, at codon 78 of the PRKAR1A protein (p.Arg78Thr). This variant is not present in population databases (gnomAD no frequency). This variant has not been reported in the literature in individuals affected with PRKAR1A-related conditions. Advanced modeling of protein sequence and biophysical properties (such as structural, functional, and spatial information, amino acid conservation, physicochemical variation, residue mobility, and thermodynamic stability) performed at Invitae indicates that this missense variant is not expected to disrupt PRKAR1A protein function with a negative predictive value of 80%. In summary, the available evidence is currently insufficient to determine the role of this variant in disease. Therefore, it has been classified as a Variant of Uncertain Significance.

NM_002734.5(PRKAR1A):c.233G>C (p.Arg78Thr)

Gene: PRKAR1A (protein kinase cAMP-dependent type I regulatory subunit alpha; plus strand). Cytogenetic location: 17q24.2.
Variant type: single nucleotide variant.
Coding change: c.233G>C on transcript NM_002734.5 (MANE Select); coding-DNA position 233, G replaced by C.
Protein change: p.Arg78Thr; replaces arginine 78 with threonine.
Molecular consequence: missense variant.
Genome position (GRCh38, 1-based): chr17:68,522,811, G>C. VCF-style: chr17-68522811-G-C. GRCh37 (hg19) VCF-style: chr17-66518952-G-C.
Other names: c.233G>C, p.Arg78Thr (NM_001276289.2, NM_001276290.1, NM_001278433.2 and 4 more transcripts); short protein forms R78T.
Identifiers: ClinVar variation 2704854 (VCV002704854.3), dbSNP rs2509398773, ClinGen allele CA400752275.